The following is an entry in ClinVar:

NM_003835.4(RGS9):c.286C>G (p.Pro96Ala)

Gene: RGS9 (regulator of G protein signaling 9; plus strand). Cytogenetic location: 17q24.1.
Variant type: single nucleotide variant.
Coding change: c.286C>G on transcript NM_003835.4 (MANE Select); coding-DNA position 286, C replaced by G.
Protein change: p.Pro96Ala; replaces proline 96 with alanine.
Molecular consequence: missense variant.
Genome position (GRCh38, 1-based): chr17:65,160,313, C>G. VCF-style: chr17-65160313-C-G. GRCh37 (hg19) VCF-style: chr17-63156431-C-G.
Other names: c.286C>G, p.Pro96Ala (NM_001081955.3, NM_001165933.2); short protein forms P96A.
Identifiers: ClinVar variation 1027098 (VCV001027098.10), dbSNP rs373854315, ClinGen allele CA8717577.

ClinVar aggregate classification (germline): Uncertain significance (1 of 4 stars; one submission).

Allele frequency attached by ClinVar (database versions not stated): gnomAD exomes below 0.00001; ExAC 0.00001; gnomAD 0.00001 and 0.00002; TOPMed 0.00002; ESP Exome Variant Server 0.00017.
gnomAD v4.1: 3 of 1,613,950 alleles (0.00019%); highest among the groups gnomAD compares: African/African-American, 0.0027%; no homozygotes.

Submission:

Labcorp Genetics (formerly Invitae), Labcorp
Classification: Uncertain significance. Last evaluated: 2023-11-27. Review status: criteria provided, single submitter. Criteria: Invitae Variant Classification Sherloc (09022015). Collection method: clinical testing. Allele origin: germline.
Comment: This sequence change replaces proline, which is neutral and non-polar, with alanine, which is neutral and non-polar, at codon 96 of the RGS9 protein (p.Pro96Ala). This variant is present in population databases (rs373854315, gnomAD 0.007%). This variant has not been reported in the literature in individuals affected with RGS9-related conditions. ClinVar contains an entry for this variant (Variation ID: 1027098). Advanced modeling of protein sequence and biophysical properties (such as structural, functional, and spatial information, amino acid conservation, physicochemical variation, residue mobility, and thermodynamic stability) performed at Invitae indicates that this missense variant is not expected to disrupt RGS9 protein function with a negative predictive value of 80%. In summary, the available evidence is currently insufficient to determine the role of this variant in disease. Therefore, it has been classified as a Variant of Uncertain Significance.